The following is an entry in ClinVar:

NM_001292063.2(OTOG):c.4835G>A (p.Arg1612His)

Gene: OTOG (otogelin; plus strand). Cytogenetic location: 11p15.1.
Variant type: single nucleotide variant.
Coding change: c.4835G>A on transcript NM_001292063.2 (MANE Select); coding-DNA position 4835, G replaced by A.
Protein change: p.Arg1612His; replaces arginine 1612 with histidine.
Molecular consequence: missense variant.
Genome position (GRCh38, 1-based): chr11:17,610,135, G>A. VCF-style: chr11-17610135-G-A. GRCh37 (hg19) VCF-style: chr11-17631682-G-A.
Other names: c.4871G>A, p.Arg1624His (NM_001277269.2); short protein forms R1624H, R1612H.
Identifiers: ClinVar variation 501011 (VCV000501011.14), dbSNP rs189248390, ClinGen allele CA5905868.

ClinVar aggregate classification (germline): Conflicting classifications of pathogenicity. Review status: criteria provided, conflicting classifications (1 of 4 stars). 4 submissions from 4 submitters: Uncertain significance (1); Likely benign (2). 1 of the submissions does not count toward it. Last evaluated 2025-06-18.

Conditions:
OTOG-related disorder. Also called: OTOG-related condition.

Allele frequency attached by ClinVar (database versions not stated): gnomAD exomes 0.00013; ExAC 0.00030; 1000 Genomes Project 30x 0.00078; gnomAD 0.00083 and 0.00087; TOPMed 0.00086; 1000 Genomes Project 0.00100.
gnomAD v4.1: 252 of 1,550,504 alleles (0.016%); highest among the groups gnomAD compares: African/African-American, 0.28%; no homozygotes.

Submissions (4):

Labcorp Genetics (formerly Invitae), Labcorp
Classification: Likely benign. Last evaluated: 2025-06-18. Review status: criteria provided, single submitter. Criteria: Invitae Variant Classification Sherloc (09022015). Collection method: clinical testing. Allele origin: germline.

Eurofins Ntd Llc (ga)
Classification: Uncertain significance. Last evaluated: 2017-03-27. Review status: criteria provided, single submitter. Criteria: EGL Classification Definitions 2015. Collection method: clinical testing. Allele origin: germline. Observed: 1 variant allele, 1 heterozygote.

Laboratory for Molecular Medicine, Mass General Brigham Personalized Medicine
Classification: Likely benign. Last evaluated: 2016-08-31. Review status: criteria provided, single submitter. Criteria: LMM Criteria. Collection method: clinical testing. Allele origin: germline. Observed: 1 variant allele.
Comment: p.Arg1624His in exon 35 of OTOG: This variant is not expected to have clinical s ignificance because the arginine (Arg) at position 1624 is not conserved through species, with 9 mammals having a histidine (His) at this position. It has also been identified in 0.5% (5/922) of African chromosomes by the Exome Aggregation Consortium (ExAC; dbSNP rs189248390).

PreventionGenetics, part of Exact Sciences
Classification: Likely benign for OTOG-related condition. Last evaluated: 2023-06-30. Review status: no assertion criteria provided. Collection method: clinical testing. Allele origin: germline. Not counted in ClinVar's aggregate classification.
Comment: This variant is classified as likely benign based on ACMG/AMP sequence variant interpretation guidelines (Richards et al. 2015 PMID: 25741868, with internal and published modifications).